The following is an entry in ClinVar:

ClinVar aggregate classification (germline): Uncertain significance (1 of 4 stars; one submission).

Conditions:
Very long chain acyl-CoA dehydrogenase deficiency (ACADVLD). Also called: Very Long-Chain Acyl-Coenzyme A Dehydrogenase Deficiency; VLCAD Deficiency. Identifiers: Orphanet 26793, MedGen C3887523, MONDO:0008723, OMIM 201475.

Submission:

Labcorp Genetics (formerly Invitae), Labcorp
Classification: Uncertain significance for Very long chain acyl-CoA dehydrogenase deficiency. Last evaluated: 2025-01-01. Review status: criteria provided, single submitter. Criteria: Invitae Variant Classification Sherloc (09022015). Collection method: clinical testing. Allele origin: germline.
Comment: This sequence change replaces glutamine, which is neutral and polar, with lysine, which is basic and polar, at codon 380 of the ACADVL protein (p.Gln380Lys). This variant is present in population databases (rs781467053, gnomAD 0.008%). This missense change has been observed in individual(s) with clinical features of ACADVL-related conditions (internal data). In at least one individual the data is consistent with being in trans (on the opposite chromosome) from a pathogenic variant. Invitae Evidence Modeling of protein sequence and biophysical properties (such as structural, functional, and spatial information, amino acid conservation, physicochemical variation, residue mobility, and thermodynamic stability) indicates that this missense variant is not expected to disrupt ACADVL protein function with a negative predictive value of 80%. In summary, the available evidence is currently insufficient to determine the role of this variant in disease. Therefore, it has been classified as a Variant of Uncertain Significance.

NM_000018.4(ACADVL):c.1138C>A (p.Gln380Lys)

Gene: ACADVL (acyl-CoA dehydrogenase very long chain; plus strand). Cytogenetic location: 17p13.1.
Variant type: single nucleotide variant.
Coding change: c.1138C>A on transcript NM_000018.4 (MANE Select); coding-DNA position 1138, C replaced by A.
Protein change: p.Gln380Lys; replaces glutamine 380 with lysine.
Molecular consequence: missense variant.
Genome position (GRCh38, 1-based): chr17:7,223,193, C>A. VCF-style: chr17-7223193-C-A. GRCh37 (hg19) VCF-style: chr17-7126512-C-A.
Other names: c.1072C>A, p.Gln358Lys (NM_001033859.3); c.1207C>A, p.Gln403Lys (NM_001270447.2); c.910C>A, p.Gln304Lys (NM_001270448.2); short protein forms Q380K, Q403K, Q304K, Q358K.
Identifiers: ClinVar variation 3716340 (VCV003716340.2).
Genomic context (GRCh38, chr17:7,223,193, plus strand): 5'-GTAGATCATGCCACTAATCGTACCCAGTTTGGGGAGAAAATTCACAACTTTGGGCTGATC[C>A]AGGAGAAGCTGGCACGGATGGTTATGCTGCAGTATGTAACTGAGGTGAGGGCCTCCCAAG-3'
Protein context (NP_000009.1, residues 370-390): GEKIHNFGLI[Gln380Lys]EKLARMVMLQ